The following is an entry in ClinVar:

ClinVar aggregate classification (germline): Uncertain significance (1 of 4 stars; one submission).

Submission:

GeneDx
Classification: Uncertain significance. Last evaluated: 2024-11-01. Review status: criteria provided, single submitter. Criteria: GeneDx Variant Classification Process June 2021. Collection method: clinical testing. Allele origin: germline. Affected: yes.
Comment: Not observed at significant frequency in large population cohorts (gnomAD); In silico analysis supports that this missense variant has a deleterious effect on protein structure/function; Has not been previously published as pathogenic or benign to our knowledge

NM_014633.5(CTR9):c.1045C>A (p.Gln349Lys)

Gene: CTR9 (CTR9 homolog, Paf1/RNA polymerase II complex component; plus strand). Cytogenetic location: 11p15.4.
Variant type: single nucleotide variant.
Coding change: c.1045C>A on transcript NM_014633.5 (MANE Select); coding-DNA position 1045, C replaced by A.
Protein change: p.Gln349Lys; replaces glutamine 349 with lysine.
Molecular consequence: missense variant.
Genome position (GRCh38, 1-based): chr11:10,763,730, C>A. VCF-style: chr11-10763730-C-A. GRCh37 (hg19) VCF-style: chr11-10785277-C-A.
Other names: c.1045C>A, p.Gln349Lys (NM_001346279.2); short protein forms Q349K.
Identifiers: ClinVar variation 3897089 (VCV003897089.1).
Genomic context (GRCh38, chr11:10,763,730, plus strand): 5'-TATTATCAAGCCACACAGTTTGCCTCATCCTCTTTTGTGCTCCCATTTTTTGGTTTGGGA[C>A]AAATGTATATTTATCGAGGTGACAAAGAAAATGCATCTCAGTGCTTTGAGAAGGTTTTGA-3'
Protein context (NP_055448.1, residues 339-359): SFVLPFFGLG[Gln349Lys]MYIYRGDKEN